The following is an entry in ClinVar:

NM_177438.3(DICER1):c.2033C>T (p.Ser678Phe)

Gene: DICER1 (dicer 1, ribonuclease III; minus strand). Cytogenetic location: 14q32.13.
Variant type: single nucleotide variant.
Coding change: c.2033C>T on transcript NM_177438.3 (MANE Select); coding-DNA position 2033, C replaced by T.
Protein change: p.Ser678Phe; replaces serine 678 with phenylalanine.
Molecular consequence: missense variant.
Genome position (GRCh38, 1-based): chr14:95,113,099, G>A on the plus strand (C>T on the coding strand, the complement: DICER1 is on the minus strand). VCF-style: chr14-95113099-G-A. GRCh37 (hg19) VCF-style: chr14-95579436-G-A.
Other names: c.2033C>T, p.Ser678Phe (NM_001195573.1, NM_001271282.3, NM_001291628.2 and 1 more transcripts); short protein forms S678F.
Identifiers: ClinVar variation 242055 (VCV000242055.23), dbSNP rs544623004, ClinGen allele CA7331343.

ClinVar aggregate classification (germline): Conflicting classifications of pathogenicity. Review status: criteria provided, conflicting classifications (1 of 4 stars). 6 submissions from 6 submitters: Uncertain significance (3); Benign (1); Likely benign (2). Last evaluated 2026-01-24.

Conditions:
DICER1-related tumor predisposition. Also called: DICER1 syndrome; DICER1-related pleuropulmonary blastoma cancer predisposition syndrome. Identifiers: Orphanet 284343, MedGen C3839822, MONDO:0100216.
Hereditary cancer-predisposing syndrome. Also called: Neoplastic Syndromes, Hereditary; Tumor predisposition; Hereditary neoplastic syndrome; Hereditary Cancer Syndrome. Identifiers: Orphanet 140162, MedGen C0027672, MeSH D009386, MONDO:0015356.
Global developmental delay - lung cysts - overgrowth - Wilms tumor syndrome. Also called: GLOBAL DEVELOPMENTAL DELAY, LUNG CYSTS, OVERGROWTH, AND WILMS TUMOR; GLOW Syndrome. Identifiers: Orphanet 404476, MedGen C4748924, MONDO:0018445, OMIM 618272.

Allele frequency attached by ClinVar (database versions not stated): TOPMed 0.00002; gnomAD 0.00004 and 0.00008; ExAC 0.00005; gnomAD exomes 0.00009 and 0.00005; 1000 Genomes Project 30x 0.00016; 1000 Genomes Project 0.00020.
gnomAD v4.1: 144 of 1,613,674 alleles (0.0089%); highest among the groups gnomAD compares: East Asian, 0.32%; no homozygotes.

Submissions (6):

Labcorp Genetics (formerly Invitae), Labcorp
Classification: Likely benign for DICER1-related tumor predisposition. Last evaluated: 2026-01-24. Review status: criteria provided, single submitter. Criteria: Invitae Variant Classification Sherloc (09022015). Collection method: clinical testing. Allele origin: germline.

Baylor Genetics
Classification: Uncertain significance for Global developmental delay - lung cysts - overgrowth - Wilms tumor syndrome. Last evaluated: 2023-09-17. Review status: criteria provided, single submitter. Criteria: ACMG Guidelines, 2015. Collection method: clinical testing. Allele origin: unknown.

GeneDx
Classification: Uncertain significance. Last evaluated: 2023-04-27. Review status: criteria provided, single submitter. Criteria: GeneDx Variant Classification Process June 2021. Collection method: clinical testing. Allele origin: germline. Affected: yes.
Comment: In silico analysis supports that this missense variant does not alter protein structure/function; Has not been previously published as pathogenic or benign to our knowledge; This variant is associated with the following publications: (PMID: 31911633)

Ambry Genetics
Classification: Likely benign for Hereditary cancer-predisposing syndrome. Last evaluated: 2022-08-15. Review status: criteria provided, single submitter. Criteria: Ambry Variant Classification Scheme 2023. Collection method: clinical testing. Allele origin: germline.

Sema4
Classification: Uncertain significance for Hereditary cancer-predisposing syndrome. Last evaluated: 2021-06-23. Review status: criteria provided, single submitter. Criteria: Sema4 Curation Guidelines. Collection method: curation. Allele origin: germline.
Comment: To the best of our knowledge, the DICER1 c.2033C>T (p.S678F) variant has not been reported in individuals with DICER1-related disease. This variant was observed in 12/18392 chromosomes in the East Asian subpopulation, with no homozygotes, according to the Genome Aggregation Database (PMID: 32461654) and has been reported in ClinVar (Variation ID: 242055). Functional studies have not been performed, and in silico predictions of the variant's effect on protein function are inconclusive. Based on the current evidence available, this variant is interpreted as a variant of uncertain significance.

Illumina Laboratory Services, Illumina
Classification: Benign for Pleuropulmonary blastoma. Last evaluated: 2018-01-12. Review status: criteria provided, single submitter. Criteria: ICSL Variant Classification Criteria 13 December 2019. Collection method: clinical testing. Allele origin: germline.
Comment: This variant was observed in the ICSL laboratory as part of a predisposition screen in an ostensibly healthy population. It had not been previously curated by ICSL or reported in the Human Gene Mutation Database (HGMD: prior to June 1st, 2018), and was therefore a candidate for classification through an automated scoring system. Utilizing variant allele frequency, disease prevalence and penetrance estimates, and inheritance mode, an automated score was calculated to assess if this variant is too frequent to cause the disease. Based on the score and internal cut-off values, a variant classified as benign is not then subjected to further curation. The score for this variant resulted in a classification of benign for this disease.

Literature cited by the submitters: PubMed 31911633 (cited by Ambry Genetics).